The following is an entry in ClinVar:

NM_145239.3(PRRT2):c.880-2A>C

Genes: MVP-DT (MVP divergent transcript; minus strand), PRRT2 (proline rich transmembrane protein 2; plus strand). Cytogenetic location: 16p11.2.
Variant type: single nucleotide variant.
Coding change: c.880-2A>C on transcript NM_145239.3 (MANE Select); the canonical splice acceptor site of the intron before coding-DNA position 880, A replaced by C.
Molecular consequence: splice acceptor variant. On other transcripts: 3 prime UTR variant (2).
Genome position (GRCh38, 1-based): chr16:29,814,331, A>C. VCF-style: chr16-29814331-A-C. GRCh37 (hg19) VCF-style: chr16-29825652-A-C.
Other names: c.*377A>C (NM_001256443.2, NM_001438122.1); c.880-2A>C (NM_001438121.1, NM_001438120.1, NM_001256442.2).
Identifiers: ClinVar variation 4719569 (VCV004719569.1).
Genomic context (GRCh38, chr16:29,814,331, plus strand): 5'-CCCTTCTGGGCTGGCTTCTCCTGACCCCGGCTATGTGCCTCCACCCCTCGCCCTAACCCC[A>C]GTCCCGGAACAGCCTGCAGCAGGGGGACGTGGACGGGGCCCAGCGTCTGGGCCGGGTAGC-3'

ClinVar aggregate classification (germline): Pathogenic (1 of 4 stars; one submission).

Conditions:
Episodic kinesigenic dyskinesia (EKD). Also called: Paroxysmal kinesigenic dyskinesia. Identifiers: Orphanet 98809, MedGen C1868682, MONDO:0044202.

Submission:

Labcorp Genetics (formerly Invitae), Labcorp
Classification: Pathogenic for Episodic kinesigenic dyskinesia. Last evaluated: 2025-05-14. Review status: criteria provided, single submitter. Criteria: Invitae Variant Classification Sherloc (09022015). Collection method: clinical testing. Allele origin: germline.
Comment: This sequence change affects an acceptor splice site in intron 2 of the PRRT2 gene. It is expected to disrupt RNA splicing. Variants that disrupt the donor or acceptor splice site typically lead to a loss of protein function (PMID: 16199547), and loss-of-function variants in PRRT2 are known to be pathogenic (PMID: 22623405, 22744660). This variant is not present in population databases (gnomAD no frequency). Disruption of this splice site has been observed in individuals with benign familial neonatal-infantile seizures (PMID: 23077026, 29132464). Algorithms developed to predict the effect of sequence changes on RNA splicing suggest that this variant may disrupt the consensus splice site. For these reasons, this variant has been classified as Pathogenic.

Literature cited by the submitters: PubMed 16199547; PubMed 22623405; PubMed 22744660; PubMed 23077026; PubMed 29132464.